The following is an entry in ClinVar:

NM_152773.5(DYNLT2B):c.100G>C (p.Val34Leu)

Genes: DYNLT2B (dynein light chain Tctex-type 2B; minus strand), TM4SF19-DYNLT2B (TM4SF19-DYNLT2B readthrough (NMD candidate); minus strand). Cytogenetic location: 3q29.
Variant type: single nucleotide variant.
Coding change: c.100G>C on transcript NM_152773.5 (MANE Select); coding-DNA position 100, G replaced by C.
Protein change: p.Val34Leu; replaces valine 34 with leucine.
Molecular consequence: missense variant.
Genome position (GRCh38, 1-based): chr3:196,318,053, C>G on the plus strand (G>C on the coding strand, the complement: DYNLT2B is on the minus strand). VCF-style: chr3-196318053-C-G. GRCh37 (hg19) VCF-style: chr3-196044924-C-G.
Other names: c.100G>C, p.Val34Leu (NM_001351628.2); short protein forms V34L.
Identifiers: ClinVar variation 2192829 (VCV002192829.4), dbSNP rs748300114, ClinGen allele CA355590365.

ClinVar aggregate classification (germline): Uncertain significance (1 of 4 stars; one submission).

Allele frequency attached by ClinVar (database versions not stated): gnomAD exomes below 0.00001.
gnomAD v4.1: 8 of 1,537,158 alleles (0.00052%); highest among the groups gnomAD compares: African/African-American, 0.0028%; no homozygotes.

Submission:

Labcorp Genetics (formerly Invitae), Labcorp
Classification: Uncertain significance. Last evaluated: 2022-03-16. Review status: criteria provided, single submitter. Criteria: Invitae Variant Classification Sherloc (09022015). Collection method: clinical testing. Allele origin: germline.
Comment: In summary, the available evidence is currently insufficient to determine the role of this variant in disease. Therefore, it has been classified as a Variant of Uncertain Significance. Algorithms developed to predict the effect of missense changes on protein structure and function (SIFT, PolyPhen-2, Align-GVGD) all suggest that this variant is likely to be tolerated. This variant has not been reported in the literature in individuals affected with TCTEX1D2-related conditions. The frequency data for this variant in the population databases is considered unreliable, as metrics indicate poor data quality at this position in the gnomAD database. This sequence change replaces valine, which is neutral and non-polar, with leucine, which is neutral and non-polar, at codon 34 of the TCTEX1D2 protein (p.Val34Leu).